The following is an entry in ClinVar:

ClinVar aggregate classification (germline): Uncertain significance (1 of 4 stars; one submission).

Submission:

Labcorp Genetics (formerly Invitae), Labcorp
Classification: Uncertain significance. Last evaluated: 2022-04-28. Review status: criteria provided, single submitter. Criteria: Invitae Variant Classification Sherloc (09022015). Collection method: clinical testing. Allele origin: germline.
Comment: This sequence change affects the initiator methionine of the CEP78 mRNA. The next in-frame methionine is located at codon 88. This variant is not present in population databases (gnomAD no frequency). This variant has not been reported in the literature in individuals affected with CEP78-related conditions. Experimental studies and prediction algorithms are not available or were not evaluated, and the functional significance of this variant is currently unknown. In summary, the available evidence is currently insufficient to determine the role of this variant in disease. Therefore, it has been classified as a Variant of Uncertain Significance.

NM_001330691.3(CEP78):c.2T>C (p.Met1Thr)

Gene: CEP78 (centrosomal protein 78; plus strand). Cytogenetic location: 9q21.2.
Variant type: single nucleotide variant.
Coding change: c.2T>C on transcript NM_001330691.3 (MANE Select); coding-DNA position 2, T replaced by C.
Protein change: p.Met1Thr; changes the start codon (methionine 1).
Molecular consequence: missense variant, initiator codon variant.
Genome position (GRCh38, 1-based): chr9:78,236,352, T>C. VCF-style: chr9-78236352-T-C. GRCh37 (hg19) VCF-style: chr9-80851268-T-C.
Other names: c.2T>C, p.Met1Thr (NM_001098802.3, NM_001330693.3, NM_001330694.2 and 4 more transcripts); short protein forms M1T.
Identifiers: ClinVar variation 1518876 (VCV001518876.6), dbSNP rs2118040126, ClinGen allele CA373999059.